The following is an entry in ClinVar:

ClinVar aggregate classification (germline): Uncertain significance (1 of 4 stars; one submission).

Submission:

Labcorp Genetics (formerly Invitae), Labcorp
Classification: Uncertain significance. Last evaluated: 2024-01-29. Review status: criteria provided, single submitter. Criteria: Invitae Variant Classification Sherloc (09022015). Collection method: clinical testing. Allele origin: germline.
Comment: This sequence change replaces proline, which is neutral and non-polar, with serine, which is neutral and polar, at codon 248 of the TCF3 protein (p.Pro248Ser). This variant is not present in population databases (gnomAD no frequency). This variant has not been reported in the literature in individuals affected with TCF3-related conditions. Algorithms developed to predict the effect of missense changes on protein structure and function output the following: SIFT: "Not Available"; PolyPhen-2: "Benign"; Align-GVGD: "Not Available". The serine amino acid residue is found in multiple mammalian species, which suggests that this missense change does not adversely affect protein function. In summary, the available evidence is currently insufficient to determine the role of this variant in disease. Therefore, it has been classified as a Variant of Uncertain Significance.

NM_003200.5(TCF3):c.742C>T (p.Pro248Ser)

Gene: TCF3 (transcription factor 3; minus strand). Cytogenetic location: 19p13.3.
Variant type: single nucleotide variant.
Coding change: c.742C>T on transcript NM_003200.5 (MANE Select); coding-DNA position 742, C replaced by T.
Protein change: p.Pro248Ser; replaces proline 248 with serine.
Molecular consequence: missense variant.
Genome position (GRCh38, 1-based): chr19:1,622,134, G>A on the plus strand (C>T on the coding strand, the complement: TCF3 is on the minus strand). VCF-style: chr19-1622134-G-A. GRCh37 (hg19) VCF-style: chr19-1622133-G-A.
Other names: c.742C>T, p.Pro248Ser (NM_001136139.4, NM_001351778.2, NM_001351779.2); short protein forms P248S.
Identifiers: ClinVar variation 2714030 (VCV002714030.3), dbSNP rs1475251643, ClinGen allele CA403055640.